The following is an entry in ClinVar:

NM_000827.4(GRIA1):c.1607C>T (p.Ala536Val)

Gene: GRIA1 (glutamate ionotropic receptor AMPA type subunit 1; plus strand). Cytogenetic location: 5q33.2.
Variant type: single nucleotide variant.
Coding change: c.1607C>T on transcript NM_000827.4 (MANE Select); coding-DNA position 1607, C replaced by T.
Protein change: p.Ala536Val; replaces alanine 536 with valine.
Molecular consequence: missense variant. On other transcripts: non-coding transcript variant (2).
Genome position (GRCh38, 1-based): chr5:153,705,851, C>T. VCF-style: chr5-153705851-C-T. GRCh37 (hg19) VCF-style: chr5-153085411-C-T.
Other names: c.1607C>T, p.Ala536Val (NM_001114183.2); c.1367C>T, p.Ala456Val (NM_001258019.2); c.1322C>T, p.Ala441Val (NM_001258020.2); c.1637C>T, p.Ala546Val (NM_001258021.2, NM_001258022.2); c.1400C>T, p.Ala467Val (NM_001258023.1, NM_001364167.2); c.1439C>T, p.Ala480Val (NM_001364165.2); c.1634C>T, p.Ala545Val (NM_001364166.2); short protein forms A441V, A456V, A467V, A480V, A536V, A545V, A546V.
Identifiers: ClinVar variation 4281889 (VCV004281889.1).

ClinVar aggregate classification (germline): Uncertain significance (1 of 4 stars; one submission).

Submission:

GeneDx
Classification: Uncertain significance. Last evaluated: 2025-04-09. Review status: criteria provided, single submitter. Criteria: GeneDx Variant Classification Process June 2021. Collection method: clinical testing. Allele origin: germline. Affected: yes.
Comment: Not observed at significant frequency in large population cohorts (gnomAD); In silico analysis supports that this missense variant has a deleterious effect on protein structure/function; Has not been previously published as pathogenic or benign to our knowledge